The following is an entry in ClinVar:

NM_003742.4(ABCB11):c.2402T>G (p.Leu801Arg)

Gene: ABCB11 (ATP binding cassette subfamily B member 11; minus strand). Cytogenetic location: 2q31.1.
Variant type: single nucleotide variant.
Coding change: c.2402T>G on transcript NM_003742.4 (MANE Select); coding-DNA position 2402, T replaced by G.
Protein change: p.Leu801Arg; replaces leucine 801 with arginine.
Molecular consequence: missense variant.
Genome position (GRCh38, 1-based): chr2:168,944,903, A>C on the plus strand (T>G on the coding strand, the complement: ABCB11 is on the minus strand). VCF-style: chr2-168944903-A-C. GRCh37 (hg19) VCF-style: chr2-169801413-A-C.
Other names: short protein forms L801R.
Identifiers: ClinVar variation 4099562 (VCV004099562.2).

ClinVar aggregate classification (germline): Uncertain significance. Review status: criteria provided, multiple submitters, no conflicts (2 of 4 stars). 2 submissions from 2 submitters: Uncertain significance (2). Last evaluated 2025-10-03.

Conditions:
ABCB11-related disorder. Also called: ABCB11-related condition.
Inborn genetic diseases. Identifiers: MedGen C0950123, MeSH D030342.

gnomAD v4.1: 24 of 1,577,462 alleles (0.0015%); highest among the groups gnomAD compares: Non-Finnish European, 0.00043%; no homozygotes.

Submissions (2):

PreventionGenetics, part of Exact Sciences
Classification: Uncertain significance for ABCB11-related condition. Last evaluated: 2025-10-03. Review status: criteria provided, single submitter. Criteria: ACMG Guidelines, 2015. Collection method: clinical testing. Allele origin: germline.
Comment: The ABCB11 c.2402T>G variant is predicted to result in the amino acid substitution p.Leu801Arg. To our knowledge, this variant has not been reported in the literature. This variant is reported in 0.096% of alleles in individuals of Ashkenazi Jewish descent in gnomAD, which is likely too frequent to be a primary cause of disease. Although we suspect that this variant may be benign, at this time, the clinical significance of this variant is uncertain due to the absence of conclusive functional and genetic evidence.

Ambry Genetics
Classification: Uncertain significance for Inborn genetic diseases. Last evaluated: 2025-08-27. Review status: criteria provided, single submitter. Criteria: Ambry Variant Classification Scheme 2023. Collection method: clinical testing. Allele origin: germline.